The following is an entry in ClinVar:

ClinVar aggregate classification (germline): Pathogenic (1 of 4 stars; one submission).

Conditions:
Retinoblastoma (RB1). Also called: RETINOBLASTOMA, SOMATIC. Identifiers: Orphanet 790, MedGen C0035335, MeSH D012175, MONDO:0008380, OMIM 180200, HP:0009919. Disease mechanism: loss of function. Inheritance: Both sporadic and heritable forms are tested..

Submission:

Labcorp Genetics (formerly Invitae), Labcorp
Classification: Pathogenic for Retinoblastoma. Last evaluated: 2019-01-14. Review status: criteria provided, single submitter. Criteria: Invitae Variant Classification Sherloc (09022015). Collection method: clinical testing. Allele origin: germline.
Comment: For these reasons, this variant has been classified as Pathogenic. Loss-of-function variants in RB1 are known to be pathogenic (PMID: 17096365). This variant has been observed in an individual affected with retinoblastoma¬†(PMID:¬†15884040). This variant is an out-of-frame deletion of the genomic region encompassing exons 3-11 of the RB1 gene. This is expected to create a premature translational stop signal and result in an absent or disrupted protein product.

Literature cited by the submitters: PubMed 17096365.

NC_000013.11:g.(?_48342589)_(48368614_?)del

Gene: RB1 (RB transcriptional corepressor 1; plus strand). Cytogenetic location: 13q14.2.
Variant type: Deletion.
Identifiers: ClinVar variation 831768 (VCV000831768.7).